The following is an entry in ClinVar:

ClinVar aggregate classification (germline): Uncertain significance. Review status: criteria provided, multiple submitters, no conflicts (2 of 4 stars). 3 submissions from 3 submitters: Uncertain significance (3). Last evaluated 2025-02-25.

Conditions:
Hereditary cancer-predisposing syndrome. Also called: Tumor predisposition; Hereditary Cancer Syndrome; Neoplastic Syndromes, Hereditary; Hereditary neoplastic syndrome. Identifiers: Orphanet 140162, MedGen C0027672, MeSH D009386, MONDO:0015356.
Peutz-Jeghers syndrome (PJS). Also called: POLYPOSIS, HAMARTOMATOUS INTESTINAL; POLYPS-AND-SPOTS SYNDROME; Peutz-Jeghers polyposis; Periorificial lentiginosis syndrome. Identifiers: Orphanet 2869, MedGen C0031269, MeSH D010580, MONDO:0008280, OMIM 175200.

Submissions (3):

Labcorp Genetics (formerly Invitae), Labcorp
Classification: Uncertain significance for Peutz-Jeghers syndrome. Last evaluated: 2025-02-25. Review status: criteria provided, single submitter. Criteria: Invitae Variant Classification Sherloc (09022015). Collection method: clinical testing. Allele origin: germline.
Comment: This sequence change replaces serine, which is neutral and polar, with proline, which is neutral and non-polar, at codon 422 of the STK11 protein (p.Ser422Pro). Information on the frequency of this variant in the gnomAD database is not available, as this variant may be reported differently in the database. This variant has not been reported in the literature in individuals affected with STK11-related conditions. ClinVar contains an entry for this variant (Variation ID: 219441). An algorithm developed to predict the effect of missense changes on protein structure and function (PolyPhen-2) suggests that this variant is likely to be tolerated. In summary, the available evidence is currently insufficient to determine the role of this variant in disease. Therefore, it has been classified as a Variant of Uncertain Significance.

Ambry Genetics
Classification: Uncertain significance for Hereditary cancer-predisposing syndrome. Last evaluated: 2023-06-01. Review status: criteria provided, single submitter. Criteria: Ambry Variant Classification Scheme 2023. Collection method: clinical testing. Allele origin: germline.
Comment: The c.1264_1265delAGinsCC variant (also known as p.S422P), located in coding exon 9 of the STK11 gene, results from an in-frame deletion of an AG and insertion of CC at nucleotide positions 1264 to 1265. This results in the substitution of the serine residue for a proline residue at codon 422, an amino acid with similar properties. This amino acid position is not well conserved in available vertebrate species. In addition, this alteration is predicted to be neutral by in silico analysis (Choi Y et al. PLoS ONE. 2012; 7(10):e46688). Since supporting evidence is limited at this time, the clinical significance of this alteration remains unclear.

Genome-Nilou Lab
Classification: Uncertain significance for Peutz-Jeghers syndrome. Last evaluated: 2021-07-15. Review status: criteria provided, single submitter. Criteria: ACMG Guidelines, 2015. Collection method: clinical testing. Allele origin: germline. Affected: no.

NM_000455.5(STK11):c.1264_1265delinsCC (p.Ser422Pro)

Gene: STK11 (serine/threonine kinase 11; plus strand). Cytogenetic location: 19p13.3.
Variant type: Indel.
Coding change: c.1264_1265delinsCC on transcript NM_000455.5 (MANE Select); coding-DNA positions 1264 to 1265, AG replaced by CC.
Protein change: p.Ser422Pro; replaces serine 422 with proline.
Molecular consequence: missense variant.
Genome position (GRCh38, 1-based): chr19:1,226,609-1,226,610, AG replaced by CC. VCF-style: chr19-1226609-AG-CC. GRCh37 (hg19) VCF-style: chr19-1226608-AG-CC.
Other names: c.1264_1265delAGinsCC (NM_000455.4); short protein forms S422P.
Identifiers: ClinVar variation 219441 (VCV000219441.15), dbSNP rs864622091, ClinGen allele CA349595.